The following is an entry in ClinVar:

NM_015338.6(ASXL1):c.4183C>G (p.Leu1395Val)

Gene: ASXL1 (ASXL transcriptional regulator 1; plus strand). Cytogenetic location: 20q11.21.
Variant type: single nucleotide variant.
Coding change: c.4183C>G on transcript NM_015338.6 (MANE Select); coding-DNA position 4183, C replaced by G.
Protein change: p.Leu1395Val; replaces leucine 1395 with valine.
Molecular consequence: missense variant.
Genome position (GRCh38, 1-based): chr20:32,436,895, C>G. VCF-style: chr20-32436895-C-G. GRCh37 (hg19) VCF-style: chr20-31024698-C-G.
Other names: c.4000C>G, p.Leu1334Val (NM_001363734.1); short protein forms L1334V, L1395V.
Identifiers: ClinVar variation 723053 (VCV000723053.12), dbSNP rs150004862, ClinGen allele CA9808986.

ClinVar aggregate classification (germline): Likely benign. Review status: criteria provided, multiple submitters, no conflicts (2 of 4 stars). 3 submissions from 3 submitters: Likely benign (2). 1 of the submissions does not count toward it. Last evaluated 2025-12-16.

Conditions:
ASXL1-related disorder. Also called: ASXL1-related disorders; ASXL1-related condition.

Allele frequency attached by ClinVar (database versions not stated): TOPMed 0.00018; gnomAD 0.00034 and 0.00037; ExAC 0.00042; ESP Exome Variant Server 0.00054.
gnomAD v4.1: 427 of 1,614,140 alleles (0.026%); highest among the groups gnomAD compares: Non-Finnish European, 0.022%; 1 homozygote.

Submissions (3):

Labcorp Genetics (formerly Invitae), Labcorp
Classification: Likely benign. Last evaluated: 2025-12-16. Review status: criteria provided, single submitter. Criteria: Invitae Variant Classification Sherloc (09022015). Collection method: clinical testing. Allele origin: germline.

Blueprint Genetics
Classification: Likely benign. Last evaluated: 2024-11-11. Review status: criteria provided, single submitter. Criteria: ACMG Guidelines, 2015. Collection method: clinical testing. Allele origin: germline.

PreventionGenetics, part of Exact Sciences
Classification: Likely benign for ASXL1-related condition. Last evaluated: 2020-12-18. Review status: no assertion criteria provided. Collection method: clinical testing. Allele origin: germline. Not counted in ClinVar's aggregate classification.
Comment: This variant is classified as likely benign based on ACMG/AMP sequence variant interpretation guidelines (Richards et al. 2015 PMID: 25741868, with internal and published modifications).